The following is an entry in ClinVar:

NM_001111125.3(IQSEC2):c.4300del (p.His1434fs)

Gene: IQSEC2 (IQ motif and Sec7 domain ArfGEF 2; minus strand). Cytogenetic location: Xp11.22.
Variant type: Deletion.
Coding change: c.4300del on transcript NM_001111125.3 (MANE Select); coding-DNA position 4300, one base deleted (C; older notation c.4300delC).
Protein change: p.His1434fs; shifts the reading frame from histidine 1434.
Molecular consequence: frameshift variant. On other transcripts: 3 prime UTR variant (1).
Genome position (GRCh38, 1-based): chrX:53,234,386, G deleted on the plus strand (C on the coding strand, the reverse complement: IQSEC2 is on the minus strand); the first of 4 consecutive G bases (chrX:53,234,386-53,234,389); deleting any one gives the same sequence. VCF-style (leftmost placement, unchanged base first): chrX-53234385-TG-T. GRCh37 (hg19) VCF-style: chrX-53263567-TG-T.
Other names: c.*785del (NM_015075.2); short protein forms H1434fs.
Identifiers: ClinVar variation 421727 (VCV000421727.2), dbSNP rs1064795324, ClinGen allele CA16621436.
Genomic context (GRCh38, chrX:53,234,385, plus strand): 5'-GGTGGAAGGGGTGAGTGCGGGGTGTGAGGGGAGGGTGGGGGGAGGGGTGGATAGGAGGGG[TG>T]GGGTGGGATGGGTGAGTGTGGTGACAATGGTGACTGGGGGTGGTGGGGGTGGGAGTAGGA-3'

ClinVar aggregate classification (germline): Likely pathogenic (1 of 4 stars; one submission).

Submission:

GeneDx
Classification: Likely pathogenic. Last evaluated: 2016-07-12. Review status: criteria provided, single submitter. Criteria: GeneDx Variant Classification (06012015). Collection method: clinical testing. Allele origin: germline. Affected: yes.
Comment: The c.4300delC likely pathogenic variant in the IQSEC2 gene has not been reported previously as a pathogenic variant nor as a benign variant, to our knowledge. This variant causes a frameshift starting with codon Histidine 1434, changes this amino acid to a Threonine residue, and creates a premature Stop codon at position 61 of the new reading frame, denoted p.His1434ThrfsX61. This variant replaces the last 55 amino acids of the protein with 60 incorrect amino acids. The c.4300delC variant was not observed in the Exome Aggregation Consortium (ExAC) data set, indicating it is not a common benign variant. The c.4300delC variant is a strong candidate for a pathogenic variant, however the possibility it may be a rare benign variant cannot be excluded.